The following is an entry in ClinVar:

ClinVar aggregate classification (germline): Uncertain significance (1 of 4 stars; one submission).

Submission:

Labcorp Genetics (formerly Invitae), Labcorp
Classification: Uncertain significance. Last evaluated: 2022-10-11. Review status: criteria provided, single submitter. Criteria: Invitae Variant Classification Sherloc (09022015). Collection method: clinical testing. Allele origin: germline.
Comment: This variant results in a copy number gain of the genomic region encompassing exon(s) 1-3 of the RP2 gene. This region includes the initiator codon of the gene. This copy number gain extends beyond the assayed region for this gene and therefore may encompass additional genes. As the precise location of this event is unknown, it may be in tandem or it may be located elsewhere in the genome. This variant has not been reported in the literature in individuals affected with RP2-related conditions. In summary, the available evidence is currently insufficient to determine the role of this variant in disease. Therefore, it has been classified as a Variant of Uncertain Significance.

NC_000023.10:g.(?_46466387)_(46719557_?)dup

Genes: RP2 (RP2 activator of ARL3 GTPase; plus strand), SLC9A7 (solute carrier family 9 member A7; minus strand). Cytogenetic location: Xp11.23.
Variant type: Duplication.
Identifiers: ClinVar variation 2425665 (VCV002425665.3).